The following is an entry in ClinVar:

ClinVar aggregate classification (germline): Pathogenic (1 of 4 stars; one submission).

Conditions:
Polycystic kidney disease, adult type (PKD1). Also called: POLYCYSTIC KIDNEY DISEASE, ADULT, TYPE I; POLYCYSTIC KIDNEY DISEASE 1 WITH OR WITHOUT POLYCYSTIC LIVER DISEASE; Polycystic Kidney Disease 1, Autosomal Dominant; Polycystic kidney disease 1; Polycystic kidney disease 1, severe; Polycystic Kidney, Autosomal Dominant. Identifiers: MedGen C3149841, MONDO:0008263, OMIM 173900.

Submission:

MVZ Medizinische Genetik Mainz
Classification: Pathogenic for Polycystic kidney disease, adult type. Last evaluated: 2025-08-25. Review status: criteria provided, single submitter. Criteria: UK Practice Guidelines For Variant Classification V4 01 2020. Collection method: clinical testing. Allele origin: germline. Inheritance: Autosomal dominant inheritance. Affected: yes. Observed: 1 variant allele.
Comment: ACMG Criteria: PVS1,PM2_SUP,PP4

NM_001009944.3(PKD1):c.11235del (p.Pro3747fs)

Genes: PKD1 (polycystin 1, transient receptor potential channel interacting; minus strand), PKD1-AS1 (PKD1 antisense RNA 1; plus strand). Cytogenetic location: 16p13.3.
Variant type: Deletion.
Coding change: c.11235del on transcript NM_001009944.3 (MANE Select); coding-DNA position 11235, one base deleted (G; older notation c.11235delG).
Protein change: p.Pro3747fs; shifts the reading frame from proline 3747.
Molecular consequence: frameshift variant.
Genome position (GRCh38, 1-based): chr16:2,092,514, C deleted on the plus strand (G on the coding strand, the reverse complement: PKD1 is on the minus strand); the first of 4 consecutive C bases (chr16:2,092,514-2,092,517); deleting any one gives the same sequence. VCF-style (leftmost placement, unchanged base first): chr16-2092513-GC-G. GRCh37 (hg19) VCF-style: chr16-2142514-GC-G.
Other names: c.11232del, p.Pro3746fs (NM_000296.4); short protein forms P3746fs, P3747fs.
Identifiers: ClinVar variation 4277270 (VCV004277270.1).